The following is an entry in ClinVar:

NM_001330195.2(NRXN3):c.2335G>A (p.Val779Ile)

Gene: NRXN3 (neurexin 3; plus strand). Cytogenetic location: 14q31.1.
Variant type: single nucleotide variant.
Coding change: c.2335G>A on transcript NM_001330195.2 (MANE Select); coding-DNA position 2335, G replaced by A.
Protein change: p.Val779Ile; replaces valine 779 with isoleucine.
Molecular consequence: missense variant. On other transcripts: non-coding transcript variant (4).
Genome position (GRCh38, 1-based): chr14:78,957,301, G>A. VCF-style: chr14-78957301-G-A. GRCh37 (hg19) VCF-style: chr14-79423644-G-A.
Other names: c.2335G>A, p.Val779Ile (NM_001366425.1); c.2347G>A, p.Val783Ile (NM_001366426.1); c.1216G>A, p.Val406Ile (NM_004796.6); short protein forms V406I, V779I, V783I.
Identifiers: ClinVar variation 3407941 (VCV003407941.2).

ClinVar aggregate classification (germline): Conflicting classifications of pathogenicity. Review status: criteria provided, conflicting classifications (1 of 4 stars). 2 submissions from 2 submitters: Uncertain significance (1); Likely benign (1). Last evaluated 2026-04-10.

Conditions:
Autism spectrum disorder. Also called: Autism spectrum disorders. Identifiers: MedGen C1510586, MeSH D000067877, MONDO:0005258.

gnomAD v4.1: 127 of 1,613,964 alleles (0.0079%); highest among the groups gnomAD compares: Non-Finnish European, 0.01%; no homozygotes.

Submissions (2):

Centre for Medical Genetics,  Mumbai
Classification: Likely benign for Autism spectrum disorder. Last evaluated: 2026-04-10. Review status: criteria provided, single submitter. Criteria: ACMG Guidelines, 2015. Collection method: provider interpretation. Allele origin: germline. Inheritance: Autosomal dominant inheritance. Affected: no. Observed: 1 variant allele, 1 heterozygote.
Comment: The variant satisfies PM2 criteria - extremely low frequency in gnomAD population databases. The variant satisfies PP2 criteria - missense variant in a gene with low rate of benign missense mutations and for which missense mutation is a common mechanism of a disease. However, the variant satisfies BS2 criteria - present in heterozygous state in an individual that clinically does not have autism.

Ambry Genetics
Classification: Uncertain significance. Last evaluated: 2024-08-20. Review status: criteria provided, single submitter. Criteria: Ambry Variant Classification Scheme 2023. Collection method: clinical testing. Allele origin: germline.

Literature cited by the submitters: PubMed 22209245 (cited by Centre for Medical Genetics,  Mumbai).